The following is an entry in ClinVar:

ClinVar aggregate classification (germline): Uncertain significance. Review status: criteria provided, multiple submitters, no conflicts (2 of 4 stars). 3 submissions from 3 submitters: Uncertain significance (3). Last evaluated 2025-06-08.

Conditions:
Hereditary cancer-predisposing syndrome. Also called: Hereditary neoplastic syndrome; Neoplastic Syndromes, Hereditary; Hereditary Cancer Syndrome; Tumor predisposition. Identifiers: Orphanet 140162, MedGen C0027672, MeSH D009386, MONDO:0015356.

Allele frequency attached by ClinVar (database versions not stated): TOPMed below 0.00001; gnomAD 0.00001.
gnomAD v4.1: 1 of 1,613,826 alleles (0.000062%); highest among the groups gnomAD compares: African/African-American, 0.0013%; no homozygotes.

Submissions (3):

Labcorp Genetics (formerly Invitae), Labcorp
Classification: Uncertain significance. Last evaluated: 2025-06-08. Review status: criteria provided, single submitter. Criteria: Invitae Variant Classification Sherloc (09022015). Collection method: clinical testing. Allele origin: germline.
Comment: This sequence change replaces arginine, which is basic and polar, with glycine, which is neutral and non-polar, at codon 1878 of the POLE protein (p.Arg1878Gly). This variant is not present in population databases (gnomAD no frequency). This variant has not been reported in the literature in individuals affected with POLE-related conditions. ClinVar contains an entry for this variant (Variation ID: 660632). Invitae Evidence Modeling of protein sequence and biophysical properties (such as structural, functional, and spatial information, amino acid conservation, physicochemical variation, residue mobility, and thermodynamic stability) indicates that this missense variant is not expected to disrupt POLE protein function with a negative predictive value of 80%. In summary, the available evidence is currently insufficient to determine the role of this variant in disease. Therefore, it has been classified as a Variant of Uncertain Significance.

Ambry Genetics
Classification: Uncertain significance for Hereditary cancer-predisposing syndrome. Last evaluated: 2024-04-01. Review status: criteria provided, single submitter. Criteria: Ambry Variant Classification Scheme 2023. Collection method: clinical testing. Allele origin: germline.
Comment: The p.R1878G variant (also known as c.5632C>G), located in coding exon 41 of the POLE gene, results from a C to G substitution at nucleotide position 5632. The arginine at codon 1878 is replaced by glycine, an amino acid with dissimilar properties. This amino acid position is conserved. In addition, the in silico prediction for this alteration is inconclusive. Based on the available evidence, the clinical significance of this alteration remains unclear.

GeneDx
Classification: Uncertain significance. Last evaluated: 2024-03-19. Review status: criteria provided, single submitter. Criteria: GeneDx Variant Classification Process June 2021. Collection method: clinical testing. Allele origin: germline. Affected: yes.
Comment: Not observed at significant frequency in large population cohorts (gnomAD); In silico analysis supports that this missense variant has a deleterious effect on protein structure/function; Has not been previously published as pathogenic or benign to our knowledge

NM_006231.4(POLE):c.5632C>G (p.Arg1878Gly)

Gene: POLE (DNA polymerase epsilon, catalytic subunit; minus strand). Cytogenetic location: 12q24.33.
Variant type: single nucleotide variant.
Coding change: c.5632C>G on transcript NM_006231.4 (MANE Select); coding-DNA position 5632, C replaced by G.
Protein change: p.Arg1878Gly; replaces arginine 1878 with glycine.
Molecular consequence: missense variant.
Genome position (GRCh38, 1-based): chr12:132,638,060, G>C on the plus strand (C>G on the coding strand, the complement: POLE is on the minus strand). VCF-style: chr12-132638060-G-C. GRCh37 (hg19) VCF-style: chr12-133214646-G-C.
Other names: c.5632C>G (NM_006231.2); short protein forms R1878G.
Identifiers: ClinVar variation 660632 (VCV000660632.12), dbSNP rs199979862, ClinGen allele CA387374044.